The following is an entry in ClinVar:

ClinVar aggregate classification (germline): Uncertain significance (1 of 4 stars; one submission).

Conditions:
Zellweger spectrum disorders (ZS). Also called: Zellweger Spectrum Disorder (ZSD); Zellweger Spectrum Disorder; Zellweger Spectrum; Zellweger syndrome. Identifiers: Orphanet 912, MedGen C0043459, MONDO:0019609.

Allele frequency attached by ClinVar (database versions not stated): TOPMed below 0.00001; gnomAD 0.00001.
gnomAD v4.1: 1 of 1,613,662 alleles (0.000062%); highest among the groups gnomAD compares: African/African-American, 0.0013%; no homozygotes.

Submission:

Labcorp Genetics (formerly Invitae), Labcorp
Classification: Uncertain significance for Zellweger spectrum disorders. Last evaluated: 2024-03-11. Review status: criteria provided, single submitter. Criteria: Invitae Variant Classification Sherloc (09022015). Collection method: clinical testing. Allele origin: germline.
Comment: This sequence change replaces asparagine, which is neutral and polar, with serine, which is neutral and polar, at codon 389 of the PEX1 protein (p.Asn389Ser). This variant is not present in population databases (gnomAD no frequency). This variant has not been reported in the literature in individuals affected with PEX1-related conditions. ClinVar contains an entry for this variant (Variation ID: 1387038). Advanced modeling of protein sequence and biophysical properties (such as structural, functional, and spatial information, amino acid conservation, physicochemical variation, residue mobility, and thermodynamic stability) performed at Invitae indicates that this missense variant is not expected to disrupt PEX1 protein function with a negative predictive value of 80%. In summary, the available evidence is currently insufficient to determine the role of this variant in disease. Therefore, it has been classified as a Variant of Uncertain Significance.

NM_000466.3(PEX1):c.1166A>G (p.Asn389Ser)

Gene: PEX1 (peroxisomal biogenesis factor 1; minus strand). Cytogenetic location: 7q21.2.
Variant type: single nucleotide variant.
Coding change: c.1166A>G on transcript NM_000466.3 (MANE Select); coding-DNA position 1166, A replaced by G.
Protein change: p.Asn389Ser; replaces asparagine 389 with serine.
Molecular consequence: missense variant.
Genome position (GRCh38, 1-based): chr7:92,517,349, T>C on the plus strand (A>G on the coding strand, the complement: PEX1 is on the minus strand). VCF-style: chr7-92517349-T-C. GRCh37 (hg19) VCF-style: chr7-92146663-T-C.
Other names: c.1166A>G, p.Asn389Ser (NM_001282677.2); c.542A>G, p.Asn181Ser (NM_001282678.2); short protein forms N181S, N389S.
Identifiers: ClinVar variation 1387038 (VCV001387038.5), dbSNP rs1179674772, ClinGen allele CA368197583.